The following is an entry in ClinVar:

NM_000091.5(COL4A3):c.573T>C (p.Pro191=)

Genes: COL4A3 (collagen type IV alpha 3 chain; plus strand), MFF-DT (MFF divergent transcript; minus strand). Cytogenetic location: 2q36.3.
Variant type: single nucleotide variant.
Coding change: c.573T>C on transcript NM_000091.5 (MANE Select); coding-DNA position 573, T replaced by C.
Protein change: p.Pro191=; no amino-acid change (proline 191 retained).
Molecular consequence: synonymous variant.
Genome position (GRCh38, 1-based): chr2:227,251,166, T>C. VCF-style: chr2-227251166-T-C. GRCh37 (hg19) VCF-style: chr2-228115882-T-C.
Identifiers: ClinVar variation 517579 (VCV000517579.21), dbSNP rs375503109, ClinGen allele CA2146218.

ClinVar aggregate classification (germline): Conflicting classifications of pathogenicity. Review status: criteria provided, conflicting classifications (1 of 4 stars). 5 submissions from 5 submitters: Uncertain significance (1); Likely benign (4). Last evaluated 2026-01-31.

Conditions:
Alport syndrome. Also called: Hemorrhagic familial nephritis; Hemorrhagic hereditary nephritis; Congenital hereditary hematuria. Identifiers: Orphanet 63, MedGen C1567741, MONDO:0018965.

Allele frequency attached by ClinVar (database versions not stated): gnomAD exomes 0.00008 and 0.00017; ExAC 0.00019; 1000 Genomes Project 30x 0.00031; 1000 Genomes Project 0.00040; ESP Exome Variant Server 0.00060; gnomAD 0.00071 and 0.00078; TOPMed 0.00081.
gnomAD v4.1: 233 of 1,613,932 alleles (0.014%); highest among the groups gnomAD compares: African/African-American, 0.27%; 1 homozygote.

Submissions (5):

Labcorp Genetics (formerly Invitae), Labcorp
Classification: Likely benign. Last evaluated: 2026-01-31. Review status: criteria provided, single submitter. Criteria: Invitae Variant Classification Sherloc (09022015). Collection method: clinical testing. Allele origin: germline.

Blueprint Genetics
Classification: Likely benign. Last evaluated: 2024-03-26. Review status: criteria provided, single submitter. Criteria: ACMG Guidelines, 2015. Collection method: clinical testing. Allele origin: germline.

GeneDx
Classification: Likely benign. Last evaluated: 2020-06-01. Review status: criteria provided, single submitter. Criteria: GeneDx Variant Classification Process June 2021. Collection method: clinical testing. Allele origin: germline. Affected: yes.

Illumina Laboratory Services, Illumina
Classification: Uncertain significance for Alport syndrome. Last evaluated: 2018-01-13. Review status: criteria provided, single submitter. Criteria: ICSL Variant Classification Criteria 13 December 2019. Collection method: clinical testing. Allele origin: germline.

Laboratory for Molecular Medicine, Mass General Brigham Personalized Medicine
Classification: Likely benign. Last evaluated: 2017-08-23. Review status: criteria provided, single submitter. Criteria: LMM Criteria. Collection method: clinical testing. Allele origin: germline. Observed: 1 variant allele.
Comment: p.Pro191Pro in exon 10 of COL4A3: This variant is not expected to have clinical significance because it does not alter an amino acid residue and is not located within the splice consensus sequence. It has been identified in 0.21% (21/9798) of African chromosomes by the Exome Aggregation Consortium (ExAC; dbSNP rs375503109).